The following is an entry in ClinVar:

ClinVar aggregate classification (germline): Likely pathogenic (1 of 4 stars; one submission).

Conditions:
Achromatopsia 3 (ACHM3). Also called: PINGELAPESE BLINDNESS; TOTAL COLORBLINDNESS WITH MYOPIA; ROD MONOCHROMACY 1; ROD MONOCHROMATISM 1; ACHROMATOPSIA WITH MYOPIA. Identifiers: Orphanet 49382, MedGen C1849792, MONDO:0009875, OMIM 262300.

Submission:

Myriad Genetics, Inc.
Classification: Likely pathogenic for Achromatopsia 3. Last evaluated: 2021-12-21. Review status: criteria provided, single submitter. Criteria: Myriad Women's Health Autosomal Recessive and X-Linked Classification Criteria (2021). Collection method: clinical testing. Allele origin: unknown.
Comment: NM_019098.4(CNGB3):c.269delA(N90Mfs*35) is expected to be pathogenic in the context of CNGB3-related achromatopsia. This variant is predicted to lead to an abnormal or absent protein product due to the creation of a premature termination codon in CNGB3, a gene where loss-of-function variants are known to be pathogenic. Please note: this variant was assessed in the context of healthy population screening.

NM_019098.5(CNGB3):c.269del (p.Asn90fs)

Gene: CNGB3 (cyclic nucleotide gated channel subunit beta 3; minus strand). Cytogenetic location: 8q21.3.
Variant type: Deletion.
Coding change: c.269del on transcript NM_019098.5 (MANE Select); coding-DNA position 269, one base deleted (A; older notation c.269delA).
Protein change: p.Asn90fs; shifts the reading frame from asparagine 90.
Molecular consequence: frameshift variant.
Genome position (GRCh38, 1-based): chr8:86,726,600, T deleted on the plus strand (A on the coding strand, the reverse complement: CNGB3 is on the minus strand); the first of 4 consecutive T bases (chr8:86,726,600-86,726,603); deleting any one gives the same sequence. VCF-style (leftmost placement, unchanged base first): chr8-86726599-AT-A. GRCh37 (hg19) VCF-style: chr8-87738827-AT-A.
Other names: short protein forms N90fs.
Identifiers: ClinVar variation 1726552 (VCV001726552.2), dbSNP rs2538181864, ClinGen allele CA2580078974.